The following is an entry in ClinVar:

NM_003482.4(KMT2D):c.2506C>A (p.Gln836Lys)

Gene: KMT2D (lysine methyltransferase 2D; minus strand). Cytogenetic location: 12q13.12.
Variant type: single nucleotide variant.
Coding change: c.2506C>A on transcript NM_003482.4 (MANE Select); coding-DNA position 2506, C replaced by A.
Protein change: p.Gln836Lys; replaces glutamine 836 with lysine.
Molecular consequence: missense variant.
Genome position (GRCh38, 1-based): chr12:49,051,177, G>T on the plus strand (C>A on the coding strand, the complement: KMT2D is on the minus strand). VCF-style: chr12-49051177-G-T. GRCh37 (hg19) VCF-style: chr12-49444960-G-T.
Other names: short protein forms Q836K.
Identifiers: ClinVar variation 158754 (VCV000158754.25), dbSNP rs200192746, ClinGen allele CA172422.

ClinVar aggregate classification (germline): Conflicting classifications of pathogenicity. Review status: criteria provided, conflicting classifications (1 of 4 stars). 8 submissions from 8 submitters: Uncertain significance (1); Benign (1); Likely benign (6). Last evaluated 2026-01-26.

Conditions:
Kabuki syndrome 1 (KABUK1). Also called: KMT2D-Related Kabuki Syndrome. Identifiers: Orphanet 2322, MedGen CN030661, MONDO:0007843, OMIM 147920.
Choanal atresia-athelia-hypothyroidism-delayed puberty-short stature syndrome (BCAHH). Also called: BRANCHIAL ARCH ABNORMALITIES, CHOANAL ATRESIA, ATHELIA, HEARING LOSS, AND HYPOTHYROIDISM SYNDROME. Identifiers: Orphanet 589856, MedGen C5680310, MONDO:0035651, OMIM 620186.
KMT2D-related disorder. Also called: KMT2D-Related Disorders.
Kabuki syndrome. Also called: Kabuki make-up syndrome; NIIKAWA-KUROKI SYNDROME. Identifiers: Orphanet 2322, MedGen C0796004, MONDO:0016512.

Allele frequency attached by ClinVar (database versions not stated): ESP Exome Variant Server 0.00008; gnomAD 0.00018 and 0.00019; ExAC 0.00019; gnomAD exomes 0.00021.
gnomAD v4.1: 727 of 1,509,910 alleles (0.048%); highest among the groups gnomAD compares: Non-Finnish European, 0.063%; 1 homozygote.

Submissions (8):

Labcorp Genetics (formerly Invitae), Labcorp
Classification: Likely benign for Kabuki syndrome. Last evaluated: 2026-01-26. Review status: criteria provided, single submitter. Criteria: Invitae Variant Classification Sherloc (09022015). Collection method: clinical testing. Allele origin: germline.

CeGaT Center for Human Genetics Tuebingen
Classification: Likely benign. Last evaluated: 2025-11-01. Review status: criteria provided, single submitter. Criteria: CeGaT Center For Human Genetics Tuebingen Variant Classification Criteria Version 2. Collection method: clinical testing. Allele origin: germline. Affected: yes. Observed: 1 variant allele.
Comment: KMT2D: PP2, BP4, BS1

PreventionGenetics, part of Exact Sciences
Classification: Likely benign for KMT2D-related condition. Last evaluated: 2025-03-25. Review status: criteria provided, single submitter. Criteria: ACMG Guidelines, 2015. Collection method: clinical testing. Allele origin: germline.
Comment: This variant is classified as likely benign based on ACMG/AMP sequence variant interpretation guidelines (Richards et al. 2015 PMID: 25741868, with internal and published modifications).

GeneDx
Classification: Benign. Last evaluated: 2020-02-11. Review status: criteria provided, single submitter. Criteria: GeneDx Variant Classification Process June 2021. Collection method: clinical testing. Allele origin: germline. Affected: yes.
Comment: This variant is associated with the following publications: (PMID: 30459467)

Center for Human Genetics, Inc
Classification: Likely benign for Kabuki syndrome 1. Last evaluated: 2016-11-01. Review status: criteria provided, single submitter. Criteria: ACMG Guidelines, 2015. Collection method: clinical testing. Allele origin: germline. Affected: yes.

Genetic Services Laboratory, University of Chicago
Classification: Likely benign. Last evaluated: 2015-04-22. Review status: criteria provided, single submitter. Criteria: ACMG Guidelines, 2015. Collection method: clinical testing. Allele origin: germline.

Breakthrough Genomics
Classification: Likely benign. Review status: criteria provided, single submitter. Criteria: ACMG Guidelines, 2015. Collection method: not provided. Allele origin: germline. Inheritance: Autosomal dominant inheritance. Affected: yes.

Center for Genomics, Ann and Robert H. Lurie Children's Hospital of Chicago
Classification: Uncertain significance for Choanal atresia-athelia-hypothyroidism-delayed puberty-short stature syndrome; Kabuki syndrome 1. Review status: criteria provided, single submitter. Criteria: ACMG Guidelines, 2015. Collection method: clinical testing. Allele origin: germline.
Comment: KMT2D NM_003482.3 exon 10 p.Gln836Lys (c.2506C>A): This variant has not been reported in the literature but is present in 0.03% (40/100306) of European alleles in the Genome Aggregation Database. This variant is present in ClinVar (Variation ID:158754). Evolutionary conservation and computational predictive tools suggest that this variant may not impact the protein. In summary, data on this variant is insufficient for disease classification. Therefore, the clinical significance of this variant is uncertain.